The following is an entry in ClinVar:

NM_000038.6(APC):c.108del (p.Lys36fs)

Gene: APC (APC regulator of Wnt signaling pathway; plus strand). Cytogenetic location: 5q22.2.
Variant type: Deletion.
Coding change: c.108del on transcript NM_000038.6 (MANE Select); coding-DNA position 108, one base deleted (A; older notation c.108delA).
Protein change: p.Lys36fs; shifts the reading frame from lysine 36.
Molecular consequence: frameshift variant. On other transcripts: 5 prime UTR variant (1), intron variant (8).
Genome position (GRCh38, 1-based): chr5:112,754,998, A deleted; the last of 4 consecutive A bases (chr5:112,754,995-112,754,998); deleting any one gives the same sequence. VCF-style (leftmost placement, unchanged base first): chr5-112754994-CA-C. GRCh37 (hg19) VCF-style: chr5-112090691-CA-C.
Other names: c.108del, p.Lys36fs (NM_001127510.3, NM_001354895.2, NM_001354896.2 and 2 more transcripts); c.-928del (NM_001354906.2); c.166-11328del (NM_001354897.2, NM_001354902.2, NM_001127511.3); c.61-11328del (NM_001354898.2, NM_001354904.2); c.-42-11328del (NM_001354900.2, NM_001354901.2, NM_001354905.2); short protein forms K36fs.
Identifiers: ClinVar variation 537502 (VCV000537502.9), dbSNP rs1554067141, ClinGen allele CA658796565.

ClinVar aggregate classification (germline): Pathogenic. Review status: criteria provided, multiple submitters, no conflicts (2 of 4 stars). 2 submissions from 2 submitters: Pathogenic (2). Last evaluated 2023-04-24.

Conditions:
Familial adenomatous polyposis 1 (FAP1). Also called: FAMILIAL ADENOMATOUS POLYPOSIS 1, ATTENUATED; POLYPOSIS, ADENOMATOUS INTESTINAL. Identifiers: MedGen C2713442, MONDO:0021056, OMIM 175100. Disease mechanism: loss of function.

Submissions (2):

Myriad Genetics, Inc.
Classification: Pathogenic for Familial adenomatous polyposis 1. Last evaluated: 2023-04-24. Review status: criteria provided, single submitter. Criteria: Myriad Autosomal Dominant, Autosomal Recessive and X-Linked Classification Criteria (2023). Collection method: clinical testing. Allele origin: unknown.
Comment: This variant is considered pathogenic. This variant creates a frameshift predicted to result in premature protein truncation.

Labcorp Genetics (formerly Invitae), Labcorp
Classification: Pathogenic for Familial adenomatous polyposis 1. Last evaluated: 2022-08-10. Review status: criteria provided, single submitter. Criteria: Invitae Variant Classification Sherloc (09022015). Collection method: clinical testing. Allele origin: germline.
Comment: This sequence change creates a premature translational stop signal (p.Lys36Asnfs*9) in the APC gene. It is expected to result in an absent or disrupted protein product. Loss-of-function variants in APC are known to be pathogenic (PMID: 17963004, 20685668). For these reasons, this variant has been classified as Pathogenic. ClinVar contains an entry for this variant (Variation ID: 537502). This variant has not been reported in the literature in individuals affected with APC-related conditions. This variant is not present in population databases (gnomAD no frequency).

Literature cited by the submitters: PubMed 17963004 (cited by Labcorp Genetics (formerly Invitae), Labcorp); PubMed 20685668 (cited by Labcorp Genetics (formerly Invitae), Labcorp).